The following is an entry in ClinVar:

ClinVar aggregate classification (germline): Uncertain significance. Review status: criteria provided, multiple submitters, no conflicts (2 of 4 stars). 3 submissions from 3 submitters: Uncertain significance (3). Last evaluated 2026-03-03.

Conditions:
Inborn genetic diseases. Identifiers: MedGen C0950123, MeSH D030342.
Cutis laxa, autosomal dominant 3 (ADCL3). Identifiers: Orphanet 90348, MedGen C4225268, MONDO:0014706, OMIM 616603.
Autosomal dominant spastic paraplegia type 9. Identifiers: MedGen C1832669, MONDO:0015091.
de Barsy syndrome. Also called: Cutis laxa-corneal clouding-oligophrenia syndrome. Identifiers: Orphanet 2962, MedGen C0268354, MONDO:0017569.

Allele frequency attached by ClinVar (database versions not stated): TOPMed 0.00002; gnomAD exomes 0.00004 and 0.00003; ExAC 0.00002; gnomAD 0.00002.
gnomAD v4.1: 64 of 1,613,832 alleles (0.004%); highest among the groups gnomAD compares: East Asian, 0.0089%; no homozygotes.

Submissions (3):

GeneDx
Classification: Uncertain significance. Last evaluated: 2026-03-03. Review status: criteria provided, single submitter. Criteria: GeneDx Variant Classification Process June 2021. Collection method: clinical testing. Allele origin: germline.
Comment: Has not been previously published as pathogenic or benign to our knowledge; In silico analysis supports that this missense variant has a deleterious effect on protein structure/function

Labcorp Genetics (formerly Invitae), Labcorp
Classification: Uncertain significance for Autosomal dominant spastic paraplegia type 9; de Barsy syndrome; Cutis laxa, autosomal dominant 3. Last evaluated: 2024-10-13. Review status: criteria provided, single submitter. Criteria: Invitae Variant Classification Sherloc (09022015). Collection method: clinical testing. Allele origin: germline.
Comment: This sequence change replaces arginine, which is basic and polar, with cysteine, which is neutral and slightly polar, at codon 456 of the ALDH18A1 protein (p.Arg456Cys). This variant is present in population databases (rs763868475, gnomAD 0.02%). This variant has not been reported in the literature in individuals affected with ALDH18A1-related conditions. ClinVar contains an entry for this variant (Variation ID: 1020433). Invitae Evidence Modeling of protein sequence and biophysical properties (such as structural, functional, and spatial information, amino acid conservation, physicochemical variation, residue mobility, and thermodynamic stability) has been performed for this missense variant. However, the output from this modeling did not meet the statistical confidence thresholds required to predict the impact of this variant on ALDH18A1 protein function. In summary, the available evidence is currently insufficient to determine the role of this variant in disease. Therefore, it has been classified as a Variant of Uncertain Significance.

Ambry Genetics
Classification: Uncertain significance for Inborn genetic diseases. Last evaluated: 2021-08-12. Review status: criteria provided, single submitter. Criteria: Ambry Variant Classification Scheme 2023. Collection method: clinical testing. Allele origin: germline.

NM_002860.4(ALDH18A1):c.1366C>T (p.Arg456Cys)

Gene: ALDH18A1 (aldehyde dehydrogenase 18 family member A1; minus strand). Cytogenetic location: 10q24.1.
Variant type: single nucleotide variant.
Coding change: c.1366C>T on transcript NM_002860.4 (MANE Select); coding-DNA position 1366, C replaced by T.
Protein change: p.Arg456Cys; replaces arginine 456 with cysteine.
Molecular consequence: missense variant.
Genome position (GRCh38, 1-based): chr10:95,621,132, G>A on the plus strand (C>T on the coding strand, the complement: ALDH18A1 is on the minus strand). VCF-style: chr10-95621132-G-A. GRCh37 (hg19) VCF-style: chr10-97380889-G-A.
Other names: c.1360C>T, p.Arg454Cys (NM_001017423.2, NM_001323415.2); c.1033C>T, p.Arg345Cys (NM_001323412.2, NM_001323416.2); c.1366C>T, p.Arg456Cys (NM_001323413.2, NM_001323414.2); c.1261C>T, p.Arg421Cys (NM_001323417.2); c.1027C>T, p.Arg343Cys (NM_001323418.2); c.730C>T, p.Arg244Cys (NM_001323419.2); c.1366C>T (NM_002860.3); short protein forms R244C, R343C, R345C, R421C, R454C, R456C.
Identifiers: ClinVar variation 1020433 (VCV001020433.12), dbSNP rs763868475, ClinGen allele CA5620340.